The following is an entry in ClinVar:

ClinVar aggregate classification (germline): Uncertain significance. Review status: criteria provided, multiple submitters, no conflicts (2 of 4 stars). 3 submissions from 3 submitters: Uncertain significance (3). Last evaluated 2024-07-10.

Allele frequency attached by ClinVar (database versions not stated): ExAC 0.00003; gnomAD exomes 0.00003; TOPMed 0.00005; gnomAD 0.00007.
gnomAD v4.1: 44 of 1,606,814 alleles (0.0027%); highest among the groups gnomAD compares: Middle Eastern, 0.017%; no homozygotes.

Submissions (3):

Ambry Genetics
Classification: Uncertain significance. Last evaluated: 2024-07-10. Review status: criteria provided, single submitter. Criteria: Ambry Variant Classification Scheme 2023. Collection method: clinical testing. Allele origin: germline.

Blueprint Genetics
Classification: Uncertain significance. Last evaluated: 2024-04-15. Review status: criteria provided, single submitter. Criteria: ACMG Guidelines, 2015. Collection method: clinical testing. Allele origin: germline.

Labcorp Genetics (formerly Invitae), Labcorp
Classification: Uncertain significance. Last evaluated: 2021-09-24. Review status: criteria provided, single submitter. Criteria: Invitae Variant Classification Sherloc (09022015). Collection method: clinical testing. Allele origin: germline.
Comment: This sequence change replaces proline with leucine at codon 615 of the FCHO1 protein (p.Pro615Leu). The proline residue is highly conserved and there is a moderate physicochemical difference between proline and leucine. This variant is present in population databases (rs746345884, ExAC 0.03%). This variant has not been reported in the literature in individuals with FCHO1-related conditions. Algorithms developed to predict the effect of missense changes on protein structure and function are either unavailable or do not agree on the potential impact of this missense change (SIFT: "Deleterious"; PolyPhen-2: "Probably Damaging"; Align-GVGD: "Class C0"). In summary, the available evidence is currently insufficient to determine the role of this variant in disease. Therefore, it has been classified as a Variant of Uncertain Significance.

NM_015122.3(FCHO1):c.1844C>T (p.Pro615Leu)

Gene: FCHO1 (FCH and mu domain containing endocytic adaptor 1; plus strand). Cytogenetic location: 19p13.11.
Variant type: single nucleotide variant.
Coding change: c.1844C>T on transcript NM_015122.3 (MANE Select); coding-DNA position 1844, C replaced by T.
Protein change: p.Pro615Leu; replaces proline 615 with leucine.
Molecular consequence: missense variant. On other transcripts: non-coding transcript variant (36).
Genome position (GRCh38, 1-based): chr19:17,781,727, C>T. VCF-style: chr19-17781727-C-T. GRCh37 (hg19) VCF-style: chr19-17892536-C-T.
Other names: c.1568C>T, p.Pro523Leu (NM_001384401.1, NM_001384402.1, NM_001384404.1 and 5 more transcripts); c.1523C>T, p.Pro508Leu (NM_001384403.1); c.1805C>T, p.Pro602Leu (NM_001384405.1, NM_001384388.1, NM_001384389.1); c.1418C>T, p.Pro473Leu (NM_001384406.1); c.1274C>T, p.Pro425Leu (NM_001384407.1); c.1844C>T, p.Pro615Leu (NM_001161357.2, NM_001161358.2, NM_001384370.1 and 13 more transcripts); c.1694C>T, p.Pro565Leu (NM_001161359.2, NM_001384384.1, NM_001384385.1 and 1 more transcripts); c.1769C>T, p.Pro590Leu (NM_001384390.1); and 2 more; short protein forms P473L, P602L, P425L, P576L, P523L, P565L, P615L, P508L.
Identifiers: ClinVar variation 1386086 (VCV001386086.7), dbSNP rs746345884, ClinGen allele CA9300663.